The following is an entry in ClinVar:

NM_006379.5(SEMA3C):c.1004C>A (p.Ser335Ter)

Gene: SEMA3C (semaphorin 3C; minus strand). Cytogenetic location: 7q21.11.
Variant type: single nucleotide variant.
Coding change: c.1004C>A on transcript NM_006379.5 (MANE Select); coding-DNA position 1004, C replaced by A.
Protein change: p.Ser335Ter; replaces serine 335 with a stop codon.
Molecular consequence: nonsense.
Genome position (GRCh38, 1-based): chr7:80,798,219, G>T on the plus strand (C>A on the coding strand, the complement: SEMA3C is on the minus strand). VCF-style: chr7-80798219-G-T. GRCh37 (hg19) VCF-style: chr7-80427535-G-T.
Other names: c.1058C>A, p.Ser353Ter (NM_001350120.2); c.830C>A, p.Ser277Ter (NM_001350121.2); short protein forms S353*, S335*, S277*.
Identifiers: ClinVar variation 4991113 (VCV004991113.1).

ClinVar aggregate classification (germline): Uncertain significance (1 of 4 stars; one submission).

Conditions:
SEMA3C-related disorder. Also called: SEMA3C-related condition.

Submission:

PreventionGenetics, part of Exact Sciences
Classification: Uncertain significance for SEMA3C-related condition. Last evaluated: 2025-10-26. Review status: criteria provided, single submitter. Criteria: ACMG Guidelines, 2015. Collection method: clinical testing. Allele origin: germline.
Comment: The SEMA3C c.1058C>A variant is predicted to result in premature protein termination (p.Ser353*). To our knowledge, this variant has not been reported in the literature or in a large population database (gnomAD), indicating this variant is rare. Loss of function variants have not commonly been reported as causative of disease. At this time, the clinical significance of this variant is uncertain due to the absence of conclusive functional and genetic evidence.